The following is an entry in ClinVar:

ClinVar aggregate classification (germline): Uncertain significance (0 of 4 stars; one submission).

Conditions:
LAMA4-related disorder. Also called: LAMA4-related condition.

Submission:

PreventionGenetics, part of Exact Sciences
Classification: Uncertain significance for LAMA4-related condition. Last evaluated: 2024-01-09. Review status: no assertion criteria provided. Collection method: clinical testing. Allele origin: germline.
Comment: The LAMA4 c.5046_5047delCA variant is predicted to result in a frameshift and premature protein termination (p.His1682Glnfs*22). To our knowledge, this variant has not been reported in the literature. This variant is reported in 0.00088% of alleles in individuals of European (Non-Finnish) descent in gnomAD. At this time, the clinical significance of this variant is uncertain due to the absence of conclusive functional and genetic evidence.

NM_001105206.3(LAMA4):c.5067_5068del (p.His1689fs)

Gene: LAMA4 (laminin subunit alpha 4; minus strand). Cytogenetic location: 6q21.
Variant type: Microsatellite.
Coding change: c.5067_5068del on transcript NM_001105206.3 (MANE Select); coding-DNA positions 5067 to 5068, 2 bases deleted (CA; older notation c.5067_5068delCA).
Protein change: p.His1689fs; shifts the reading frame from histidine 1689.
Molecular consequence: frameshift variant.
Genome position (GRCh38, 1-based): chr6:112,115,907-112,115,908, TG deleted on the plus strand (CA on the coding strand, the reverse complement: LAMA4 is on the minus strand); deleting any 2 consecutive bases within chr6:112,115,907-112,115,910 gives the same sequence; the c. name uses the placement nearest the transcript's 3' end. VCF-style (leftmost placement, unchanged base first): chr6-112115906-CTG-C. GRCh37 (hg19) VCF-style: chr6-112437109-CTG-C.
Other names: c.5046_5047del, p.His1682fs (NM_001105207.3, NM_002290.5); short protein forms H1682fs, H1689fs.
Identifiers: ClinVar variation 3032158 (VCV003032158.2), dbSNP rs1160374297, ClinGen allele CA569680317.
Genomic context (GRCh38, chr6:112,115,906, plus strand): 5'-CATTTTTCAGACACTACCTGTCCATTTTTCATGTGAACATTTAGGTACTCCCCATTGACA[CTG>C]TGGCCGTGGACCAGGGTTCCGGAACTGCTTCTGGGACGGACTTCAAATGCAATTTCAAAC-3'